The following is an entry in ClinVar:

ClinVar aggregate classification (germline): Likely pathogenic. Review status: reviewed by expert panel (3 of 4 stars). 4 submissions from 4 submitters: Likely pathogenic (1). 3 of the submissions do not count toward it. Last evaluated 2020-07-01.

Conditions:
RASopathy. Also called: Noonan spectrum disorder; rasopathies. Identifiers: Orphanet 536391, MedGen C5555857, MONDO:0021060.
Noonan syndrome (NS). Also called: Noonan's syndrome. Identifiers: Orphanet 648, MedGen C0028326, MeSH D009634, MONDO:0018997. Disease mechanism: gain of function.

Submissions (4):

ClinGen RASopathy Variant Curation Expert Panel
Classification: Likely pathogenic for RASopathy. Last evaluated: 2020-07-01. Review status: reviewed by expert panel. Criteria: ClinGen RASopathy ACMG Specifications v1. Collection method: curation. Allele origin: germline. Inheritance: Autosomal dominant inheritance.
Comment: The c.793G>C (p.Gly265Arg) variant in BRAF was absent from large population studies (PM2). It was observed as a de novo occurrence in one proband diagnosed with a RASopathy (PM6, PS4_Supporting; Laboratory for Molecular Medicine internal data, ClinVar SCV000061628.5). The variant is located in the BRAF gene, which has been defined by the ClinGen RASopathy Expert Panel as a gene with a low rate of benign missense variants and pathogenic missense variants are common (PP2; PMID: 29493581). Furthermore, the variant is in a location that has been defined by the ClinGen RASopathy Expert Panel to be a mutational hotspot or domain of BRAF (PM1; PMID: 29493581). Computational prediction tools and conservation analysis suggest that the p.Gly265Arg variant may impact the protein (PP3). In summary, this variant meets criteria to be classified as likely pathogenic for autosomal dominant RASopathy. RASopathy-specific ACMG/AMP criteria applied (PMID:29493581): PS4_Supporting, PM1, PM2, PM6, PP2, PP3.

Institute for Genomic Medicine (IGM) Clinical Laboratory, Nationwide Children's Hospital
Classification: Likely pathogenic for Rasopathy. Last evaluated: 2017-03-14. Review status: criteria provided, single submitter. Criteria: ACMG Guidelines, 2015. Collection method: clinical testing. Allele origin: germline. Affected: yes. Not counted in ClinVar's aggregate classification.
Comment: PM1, PM2, PP2 and PP3; This guanine to cytosine change in the BRAF gene at nucleotide position 793 (c.793G>C) leads to the substitution of a glycine for an arginine at amino acid position 265 (p.Gly265Arg) [NC_000007.13:g.140501279C>G, NM_004333.4:c.793G>C (p.Gly265Arg)]. The identified variant was not observed in a large genomic database of reportedly healthy individuals (gnomAD), occurs at a highly conserved amino acid position, is predicted to have deleterious impact on the BRAF protein as determined by multiple in silico algorithms, and is located within a protein domain of BRAF in which other alterations known to be associated with Noonan syndrome related disorders are clustered. This alteration meets ACMG guidelines for classification as a likely pathogenic variant.

Laboratory for Molecular Medicine, Mass General Brigham Personalized Medicine
Classification: Likely pathogenic for Noonan syndrome. Last evaluated: 2015-01-08. Review status: criteria provided, single submitter. Criteria: LMM Criteria. Collection method: clinical testing. Allele origin: germline. Inheritance: Autosomal dominant inheritance. Observed: 1 variant allele. Not counted in ClinVar's aggregate classification.
Comment: The variant has not been identi fied in large population studies. The glycine (Gly) at position 265 in BRAF is h ighly conserved in mammals and evolutionarily distant species, though additional computational prediction tools do not provide strong support for or against an impact to the protein. In summary, although additional studies are required to f ully establish its clinical significance, the p.Gly265Arg variant is likely path ogenic.

Service de Génétique Moléculaire, Hôpital Robert Debré
Classification: Pathogenic for Noonan syndrome. Review status: no assertion criteria provided. Collection method: clinical testing. Allele origin: unknown. Affected: yes. Observed: 1 variant allele. Not counted in ClinVar's aggregate classification.
Comment: Allele origin : de novo

NM_004333.6(BRAF):c.793G>C (p.Gly265Arg)

Gene: BRAF (B-Raf proto-oncogene, serine/threonine kinase; minus strand). Cytogenetic location: 7q34.
Variant type: single nucleotide variant.
Coding change: c.793G>C on transcript NM_004333.6 (MANE Select); coding-DNA position 793, G replaced by C.
Protein change: p.Gly265Arg; replaces glycine 265 with arginine.
Molecular consequence: missense variant.
Genome position (GRCh38, 1-based): chr7:140,801,479, C>G on the plus strand (G>C on the coding strand, the complement: BRAF is on the minus strand). VCF-style: chr7-140801479-C-G. GRCh37 (hg19) VCF-style: chr7-140501279-C-G.
Other names: c.793G>C, p.Gly265Arg (NM_001354609.2, NM_001374244.1, NM_001374258.1 and 4 more transcripts); c.802G>C, p.Gly268Arg (NM_001378467.1); c.691G>C, p.Gly231Arg (NM_001378470.1); c.637G>C, p.Gly213Arg (NM_001378472.1, NM_001378473.1); c.529G>C, p.Gly177Arg (NM_001378475.1); short protein forms G265R, G177R, G268R, G213R, G231R.
Identifiers: ClinVar variation 44832 (VCV000044832.11), dbSNP rs397516905, ClinGen allele CA261666.